The following is an entry in ClinVar:

NM_003906.5(MCM3AP):c.832G>A (p.Val278Ile)

Gene: MCM3AP (minichromosome maintenance complex component 3 associated protein; minus strand). Cytogenetic location: 21q22.3.
Variant type: single nucleotide variant.
Coding change: c.832G>A on transcript NM_003906.5 (MANE Select); coding-DNA position 832, G replaced by A.
Protein change: p.Val278Ile; replaces valine 278 with isoleucine.
Molecular consequence: missense variant.
Genome position (GRCh38, 1-based): chr21:46,284,455, C>T on the plus strand (G>A on the coding strand, the complement: MCM3AP is on the minus strand). VCF-style: chr21-46284455-C-T. GRCh37 (hg19) VCF-style: chr21-47704369-C-T.
Other names: short protein forms V278I.
Identifiers: ClinVar variation 1939744 (VCV001939744.2), dbSNP rs562887328, ClinGen allele CA410534288.

ClinVar aggregate classification (germline): Uncertain significance (1 of 4 stars; one submission).

gnomAD v4.1: 15 of 1,614,154 alleles (0.00093%); highest among the groups gnomAD compares: Non-Finnish European, 0.0012%; no homozygotes.

Submission:

Labcorp Genetics (formerly Invitae), Labcorp
Classification: Uncertain significance. Last evaluated: 2021-12-17. Review status: criteria provided, single submitter. Criteria: Invitae Variant Classification Sherloc (09022015). Collection method: clinical testing. Allele origin: germline.
Comment: This sequence change replaces valine, which is neutral and non-polar, with isoleucine, which is neutral and non-polar, at codon 278 of the MCM3AP protein (p.Val278Ile). This variant is present in population databases (no rsID available, gnomAD 0.0009%). This variant has not been reported in the literature in individuals affected with MCM3AP-related conditions. Algorithms developed to predict the effect of missense changes on protein structure and function output the following: SIFT: "Tolerated"; PolyPhen-2: "Benign"; Align-GVGD: "Class C0". The isoleucine amino acid residue is found in multiple mammalian species, which suggests that this missense change does not adversely affect protein function. In summary, the available evidence is currently insufficient to determine the role of this variant in disease. Therefore, it has been classified as a Variant of Uncertain Significance.